The following is an entry in ClinVar:

NM_021096.4(CACNA1I):c.3691G>A (p.Gly1231Ser)

Gene: CACNA1I (calcium voltage-gated channel subunit alpha1 I; plus strand). Cytogenetic location: 22q13.1.
Variant type: single nucleotide variant.
Coding change: c.3691G>A on transcript NM_021096.4 (MANE Select); coding-DNA position 3691, G replaced by A.
Protein change: p.Gly1231Ser; replaces glycine 1231 with serine.
Molecular consequence: missense variant.
Genome position (GRCh38, 1-based): chr22:39,664,763, G>A. VCF-style: chr22-39664763-G-A. GRCh37 (hg19) VCF-style: chr22-40060768-G-A.
Other names: c.3586G>A, p.Gly1196Ser (NM_001003406.2); short protein forms G1196S, G1231S.
Identifiers: ClinVar variation 3234208 (VCV003234208.20), dbSNP rs376169293, ClinGen allele CA10244507.
Genomic context (GRCh38, chr22:39,664,763, plus strand): 5'-CGCGGCAGCCTGACCCCGGCCCCACCCCCGCCCCAGGTAGTCTCGCTGGGCCTGTACTTC[G>A]GCGAGCAGGCGTACCTACGCAGCAGCTGGAACGTGCTGGATGGCTTTCTTGTCTTCGTGT-3'
Protein context (NP_066919.2, residues 1221-1241): LKVVSLGLYF[Gly1231Ser]EQAYLRSSWN

ClinVar aggregate classification (germline): Likely benign (1 of 4 stars; one submission).

Allele frequency attached by ClinVar (database versions not stated): ESP Exome Variant Server 0.00008; ExAC 0.00020; TOPMed 0.00021; gnomAD 0.00023.
gnomAD v4.1: 318 of 1,590,156 alleles (0.02%); highest among the groups gnomAD compares: Non-Finnish European, 0.02%; no homozygotes.

Submission:

CeGaT Center for Human Genetics Tuebingen
Classification: Likely benign. Last evaluated: 2026-07-01. Review status: criteria provided, single submitter. Criteria: CeGaT Center For Human Genetics Tuebingen Variant Classification Criteria Version 2. Collection method: clinical testing. Allele origin: germline. Affected: yes. Observed: 2 variant alleles.
Comment: CACNA1I: PP2, PP3, BS1